The following is an entry in ClinVar:

NM_002691.4(POLD1):c.2590_2593del (p.Ala864fs)

Gene: POLD1 (DNA polymerase delta 1, catalytic subunit; plus strand). Cytogenetic location: 19q13.33.
Variant type: Deletion.
Coding change: c.2590_2593del on transcript NM_002691.4 (MANE Select); coding-DNA positions 2590 to 2593, 4 bases deleted (GCAC; older notation c.2590_2593delGCAC).
Protein change: p.Ala864fs; shifts the reading frame from alanine 864.
Molecular consequence: frameshift variant. On other transcripts: non-coding transcript variant (1).
Genome position (GRCh38, 1-based): chr19:50,415,463-50,415,466, GCAC deleted; deleting any 4 consecutive bases within chr19:50,415,460-50,415,466 gives the same sequence; the c. name uses the placement nearest the transcript's 3' end. VCF-style (leftmost placement, unchanged base first): chr19-50415459-TCACG-T. GRCh37 (hg19) VCF-style: chr19-50918716-TCACG-T.
Other names: c.2590_2593del, p.Ala864fs (NM_001256849.1, NM_001438212.1, NM_001438213.1); c.2668_2671del, p.Ala890fs (NM_001308632.1); c.2518_2521del, p.Ala840fs (NM_001438210.1, NM_001438211.1); short protein forms A864fs, A840fs, A890fs.
Identifiers: ClinVar variation 4844400 (VCV004844400.1).

ClinVar aggregate classification (germline): Uncertain significance (1 of 4 stars; one submission).

Conditions:
Hereditary cancer-predisposing syndrome. Also called: Neoplastic Syndromes, Hereditary; Tumor predisposition; Hereditary Cancer Syndrome; Hereditary neoplastic syndrome. Identifiers: Orphanet 140162, MedGen C0027672, MeSH D009386, MONDO:0015356.

Submission:

Ambry Genetics
Classification: Uncertain significance for Hereditary cancer-predisposing syndrome. Last evaluated: 2026-03-02. Review status: criteria provided, single submitter. Criteria: Ambry Variant Classification Scheme 2023. Collection method: clinical testing. Allele origin: germline.
Comment: The c.2590_2593delGCAC variant, located in coding exon 20 of the POLD1 gene, results from a deletion of 4 nucleotides at nucleotide positions 2590 to 2593, causing a translational frameshift with a predicted alternate stop codon (p.A864Rfs*23). This alteration is expected to result in protein truncation or nonsense-mediated mRNA decay. However, loss of function of POLD1 has not been established as a mechanism of disease. Based on the available evidence, the clinical significance of this alteration remains unclear.